The following is an entry in ClinVar:

NM_000548.5(TSC2):c.185G>A (p.Gly62Glu)

Gene: TSC2 (TSC complex subunit 2; plus strand). Cytogenetic location: 16p13.3.
Variant type: single nucleotide variant.
Coding change: c.185G>A on transcript NM_000548.5 (MANE Select); coding-DNA position 185, G replaced by A.
Protein change: p.Gly62Glu; replaces glycine 62 with glutamic acid.
Molecular consequence: missense variant. On other transcripts: 5 prime UTR variant (1).
Genome position (GRCh38, 1-based): chr16:2,050,446, G>A. VCF-style: chr16-2050446-G-A. GRCh37 (hg19) VCF-style: chr16-2100447-G-A.
Other names: c.185G>A, p.Gly62Glu (NM_001077183.3, NM_001114382.3, NM_001318827.2 and 4 more transcripts); c.38G>A, p.Gly13Glu (NM_001318829.2); c.-42G>A (NM_001318831.2); c.218G>A, p.Gly73Glu (NM_001318832.2); short protein forms G62E, G13E, G73E.
Identifiers: ClinVar variation 65064 (VCV000065064.7), dbSNP rs397515045, ClinGen allele CA016050.

ClinVar aggregate classification (germline): Uncertain significance. Review status: criteria provided, multiple submitters, no conflicts (2 of 4 stars). 3 submissions from 3 submitters: Uncertain significance (2). 1 of the submissions does not count toward it. Last evaluated 2025-02-18.

Conditions:
Hereditary cancer-predisposing syndrome. Also called: Tumor predisposition; Hereditary Cancer Syndrome; Neoplastic Syndromes, Hereditary; Hereditary neoplastic syndrome. Identifiers: Orphanet 140162, MedGen C0027672, MeSH D009386, MONDO:0015356.
Tuberous sclerosis syndrome (TSC). Also called: Tuberous Sclerosis Complex; Tuberous sclerosis. Identifiers: Orphanet 805, MedGen C0041341, MONDO:0001734.
Tuberous sclerosis 2 (TSC2). Identifiers: Orphanet 805, MedGen C1860707, MONDO:0013199, OMIM 613254.

Allele frequency attached by ClinVar (database versions not stated): gnomAD exomes below 0.00001.

Submissions (3):

Ambry Genetics
Classification: Uncertain significance for Hereditary cancer-predisposing syndrome. Last evaluated: 2025-02-18. Review status: criteria provided, single submitter. Criteria: Ambry Variant Classification Scheme 2023. Collection method: clinical testing. Allele origin: germline.
Comment: The p.G62E variant (also known as c.185G>A), located in coding exon 2 of the TSC2 gene, results from a G to A substitution at nucleotide position 185. The glycine at codon 62 is replaced by glutamic acid, an amino acid with similar properties. Analysis of this variant in a transfection-based immunoblot assay showed impaired function compare to wild type TSC2 (Hoogeveen-Westerveld M et al. Hum Mutat, 2011 Apr;32:424-35). This amino acid position is not well conserved in available vertebrate species. In addition, the in silico prediction for this alteration is inconclusive. Based on the available evidence, the clinical significance of this variant remains unclear.

Labcorp Genetics (formerly Invitae), Labcorp
Classification: Uncertain significance for Tuberous sclerosis 2. Last evaluated: 2024-08-13. Review status: criteria provided, single submitter. Criteria: Invitae Variant Classification Sherloc (09022015). Collection method: clinical testing. Allele origin: germline.
Comment: This sequence change replaces glycine, which is neutral and non-polar, with glutamic acid, which is acidic and polar, at codon 62 of the TSC2 protein (p.Gly62Glu). This variant is not present in population databases (gnomAD no frequency). This variant has not been reported in the literature in individuals affected with TSC2-related conditions. ClinVar contains an entry for this variant (Variation ID: 65064). Invitae Evidence Modeling of protein sequence and biophysical properties (such as structural, functional, and spatial information, amino acid conservation, physicochemical variation, residue mobility, and thermodynamic stability) indicates that this missense variant is not expected to disrupt TSC2 protein function with a negative predictive value of 95%. Experimental studies have shown that this missense change does not substantially affect TSC2 function (PMID: 18854862, 21309039). In summary, the available evidence is currently insufficient to determine the role of this variant in disease. Therefore, it has been classified as a Variant of Uncertain Significance.

Tuberous sclerosis database (TSC2)
No classification provided. Condition: TSC. Review status: no classification provided. Criteria: Tuberous Sclerosis Database Assertion Criteria 2015. Collection method: curation. Allele origin: germline. Affected: yes. Not counted in ClinVar's aggregate classification.

Literature cited by the submitters: PubMed 21309039 (cited by Ambry Genetics and Labcorp Genetics (formerly Invitae), Labcorp); PubMed 18854862 (cited by Labcorp Genetics (formerly Invitae), Labcorp).